The following is an entry in ClinVar:

NM_004408.4(DNM1):c.589G>C (p.Gly197Arg)

Genes: DNM1 (dynamin 1; plus strand), LOC113839516 (Sharpr-MPRA regulatory region 8497; plus strand). Cytogenetic location: 9q34.11.
Variant type: single nucleotide variant.
Coding change: c.589G>C on transcript NM_004408.4 (MANE Select); coding-DNA position 589, G replaced by C.
Protein change: p.Gly197Arg; replaces glycine 197 with arginine.
Molecular consequence: missense variant.
Genome position (GRCh38, 1-based): chr9:128,219,252, G>C. VCF-style: chr9-128219252-G-C. GRCh37 (hg19) VCF-style: chr9-130981531-G-C.
Other names: c.589G>C, p.Gly197Arg (NM_001005336.3, NM_001288737.2, NM_001288738.2 and 2 more transcripts); short protein forms G197R.
Identifiers: ClinVar variation 2036448 (VCV002036448.4), dbSNP rs2538979918, ClinGen allele CA375011765.

ClinVar aggregate classification (germline): Uncertain significance (1 of 4 stars; one submission).

Conditions:
Developmental and epileptic encephalopathy, 31A. Also called: Epileptic encephalopathy, early infantile, 31; Developmental and epileptic encephalopathy, 31. Identifiers: Orphanet 2382, MedGen C4225357, MONDO:0014598, OMIM 616346.

Submission:

Labcorp Genetics (formerly Invitae), Labcorp
Classification: Uncertain significance for Developmental and epileptic encephalopathy, 31A. Last evaluated: 2023-10-03. Review status: criteria provided, single submitter. Criteria: Invitae Variant Classification Sherloc (09022015). Collection method: clinical testing. Allele origin: germline.
Comment: This sequence change replaces glycine, which is neutral and non-polar, with arginine, which is basic and polar, at codon 197 of the DNM1 protein (p.Gly197Arg). This variant also falls at the last nucleotide of exon 4, which is part of the consensus splice site for this exon. This variant is not present in population databases (gnomAD no frequency). This variant has not been reported in the literature in individuals affected with DNM1-related conditions. An algorithm developed to predict the effect of missense changes on protein structure and function (PolyPhen-2) suggests that this variant is likely to be disruptive. Variants that disrupt the consensus splice site are a relatively common cause of aberrant splicing (PMID: 17576681, 9536098). Algorithms developed to predict the effect of sequence changes on RNA splicing suggest that this variant may create or strengthen a splice site. In summary, the available evidence is currently insufficient to determine the role of this variant in disease. Therefore, it has been classified as a Variant of Uncertain Significance.

Literature cited by the submitters: PubMed 17576681; PubMed 9536098.